The following is an entry in ClinVar:

ClinVar aggregate classification (germline): Likely benign. Review status: criteria provided, single submitter (1 of 4 stars). 2 submissions from 2 submitters: Likely benign (1). 1 of the submissions does not count toward it. Last evaluated 2024-05-23.

Conditions:
SEC23A-related disorder. Also called: SEC23A-related condition.
Craniolenticulosutural dysplasia (CLSD). Also called: BOYADJIEV-JABS SYNDROME. Identifiers: Orphanet 50814, MedGen C1843042, MONDO:0011911, OMIM 607812.

Allele frequency attached by ClinVar (database versions not stated): ExAC 0.00007; ESP Exome Variant Server 0.00008; TOPMed 0.00009; gnomAD 0.00010; gnomAD exomes 0.00021.
gnomAD v4.1: 324 of 1,613,988 alleles (0.02%); highest among the groups gnomAD compares: Non-Finnish European, 0.026%; no homozygotes.

Submissions (2):

Labcorp Genetics (formerly Invitae), Labcorp
Classification: Likely benign for Craniolenticulosutural dysplasia. Last evaluated: 2024-05-23. Review status: criteria provided, single submitter. Criteria: Invitae Variant Classification Sherloc (09022015). Collection method: clinical testing. Allele origin: germline.

PreventionGenetics, part of Exact Sciences
Classification: Likely benign for SEC23A-related condition. Last evaluated: 2020-09-28. Review status: no assertion criteria provided. Collection method: clinical testing. Allele origin: germline. Not counted in ClinVar's aggregate classification.
Comment: This variant is classified as likely benign based on ACMG/AMP sequence variant interpretation guidelines (Richards et al. 2015 PMID: 25741868, with internal and published modifications).

NM_006364.4(SEC23A):c.2061C>A (p.Ala687=)

Gene: SEC23A (SEC23 homolog A, COPII component; minus strand). Cytogenetic location: 14q21.1.
Variant type: single nucleotide variant.
Coding change: c.2061C>A on transcript NM_006364.4 (MANE Select); coding-DNA position 2061, C replaced by A.
Protein change: p.Ala687=; no amino-acid change (alanine 687 retained).
Molecular consequence: synonymous variant.
Genome position (GRCh38, 1-based): chr14:39,040,813, G>T on the plus strand (C>A on the coding strand, the complement: SEC23A is on the minus strand). VCF-style: chr14-39040813-G-T. GRCh37 (hg19) VCF-style: chr14-39510017-G-T.
Identifiers: ClinVar variation 3054234 (VCV003054234.4), dbSNP rs373104799, ClinGen allele CA7161672.